The following is an entry in ClinVar:

NM_000245.4(MET):c.2444T>A (p.Leu815Gln)

Gene: MET (MET proto-oncogene, receptor tyrosine kinase; plus strand). Cytogenetic location: 7q31.2.
Variant type: single nucleotide variant.
Coding change: c.2444T>A on transcript NM_000245.4 (MANE Select); coding-DNA position 2444, T replaced by A.
Protein change: p.Leu815Gln; replaces leucine 815 with glutamine.
Molecular consequence: missense variant.
Genome position (GRCh38, 1-based): chr7:116,763,129, T>A. VCF-style: chr7-116763129-T-A. GRCh37 (hg19) VCF-style: chr7-116403183-T-A.
Other names: c.2498T>A, p.Leu833Gln (NM_001127500.3); c.2444T>A, p.Leu815Gln (NM_001324401.3); c.1154T>A, p.Leu385Gln (NM_001324402.2); short protein forms L815Q, L385Q, L833Q.
Identifiers: ClinVar variation 4843763 (VCV004843763.1).

ClinVar aggregate classification (germline): Uncertain significance (1 of 4 stars; one submission).

Conditions:
Hereditary cancer-predisposing syndrome. Also called: Neoplastic Syndromes, Hereditary; Tumor predisposition; Hereditary Cancer Syndrome; Hereditary neoplastic syndrome. Identifiers: Orphanet 140162, MedGen C0027672, MeSH D009386, MONDO:0015356.

Submission:

Ambry Genetics
Classification: Uncertain significance for Hereditary cancer-predisposing syndrome. Last evaluated: 2025-12-23. Review status: criteria provided, single submitter. Criteria: Ambry Variant Classification Scheme 2023. Collection method: clinical testing. Allele origin: germline.
Comment: The p.L833Q variant (also known as c.2498T>A), located in coding exon 10 of the MET gene, results from a T to A substitution at nucleotide position 2498. The leucine at codon 833 is replaced by glutamine, an amino acid with dissimilar properties. This amino acid position is conserved. In addition, the in silico prediction for this alteration is inconclusive. Based on the available evidence, the clinical significance of this variant remains unclear.